The following is an entry in ClinVar:

ClinVar aggregate classification (germline): Uncertain significance. Review status: criteria provided, multiple submitters, no conflicts (2 of 4 stars). 3 submissions from 3 submitters: Uncertain significance (3). Last evaluated 2022-05-16.

Conditions:
Hereditary cancer-predisposing syndrome. Also called: Neoplastic Syndromes, Hereditary; Tumor predisposition; Hereditary Cancer Syndrome; Hereditary neoplastic syndrome. Identifiers: Orphanet 140162, MedGen C0027672, MeSH D009386, MONDO:0015356.
Familial cancer of breast. Also called: BREAST CANCER, FAMILIAL; Hereditary breast cancer; hereditary breast carcinoma. Identifiers: Orphanet 227535, MedGen C0346153, MONDO:0016419, OMIM 114480. Disease mechanism: loss of function.

Submissions (3):

Ambry Genetics
Classification: Uncertain significance for Hereditary cancer-predisposing syndrome. Last evaluated: 2022-05-16. Review status: criteria provided, single submitter. Criteria: Ambry Variant Classification Scheme 2023. Collection method: clinical testing. Allele origin: germline.
Comment: The p.V644A variant (also known as c.1931T>C), located in coding exon 10 of the BARD1 gene, results from a T to C substitution at nucleotide position 1931. The valine at codon 644 is replaced by alanine, an amino acid with similar properties. This amino acid position is conserved. In addition, this alteration is predicted to be tolerated by in silico analysis. Since supporting evidence is limited at this time, the clinical significance of this alteration remains unclear.

Labcorp Genetics (formerly Invitae), Labcorp
Classification: Uncertain significance for Familial cancer of breast. Last evaluated: 2022-02-20. Review status: criteria provided, single submitter. Criteria: Invitae Variant Classification Sherloc (09022015). Collection method: clinical testing. Allele origin: germline.
Comment: This sequence change replaces valine, which is neutral and non-polar, with alanine, which is neutral and non-polar, at codon 644 of the BARD1 protein (p.Val644Ala). This variant is not present in population databases (gnomAD no frequency). This variant has not been reported in the literature in individuals affected with BARD1-related conditions. ClinVar contains an entry for this variant (Variation ID: 924223). Algorithms developed to predict the effect of missense changes on protein structure and function output the following: SIFT: "Tolerated"; PolyPhen-2: "Benign"; Align-GVGD: "Class C0". The alanine amino acid residue is found in multiple mammalian species, which suggests that this missense change does not adversely affect protein function. In summary, the available evidence is currently insufficient to determine the role of this variant in disease. Therefore, it has been classified as a Variant of Uncertain Significance.

Color Diagnostics, LLC DBA Color Health
Classification: Uncertain significance for Hereditary cancer-predisposing syndrome. Last evaluated: 2019-09-20. Review status: criteria provided, single submitter. Criteria: ACMG Guidelines, 2015. Collection method: clinical testing. Allele origin: germline.
Comment: This missense variant replaces valine with alanine at codon 644 of the BARD1 protein. Computational prediction tool suggests that this variant may not impact protein structure and function (internally defined REVEL score threshold ≤0.5, PMID: 27666373). Splice site prediction tools suggest that this variant may not impact RNA splicing. To our knowledge, functional studies have not been performed for this variant. This variant has not been reported in individuals affected with hereditary cancer in the literature. This variant has not been identified in the general population by the Genome Aggregation Database (gnomAD). The available evidence is insufficient to determine the role of this variant in disease conclusively. Therefore, this variant is classified as a Variant of Uncertain Significance.

NM_000465.4(BARD1):c.1931T>C (p.Val644Ala)

Gene: BARD1 (BRCA1 associated RING domain 1; minus strand). Cytogenetic location: 2q35.
Variant type: single nucleotide variant.
Coding change: c.1931T>C on transcript NM_000465.4 (MANE Select); coding-DNA position 1931, T replaced by C.
Protein change: p.Val644Ala; replaces valine 644 with alanine.
Molecular consequence: missense variant. On other transcripts: non-coding transcript variant (3).
Genome position (GRCh38, 1-based): chr2:214,730,481, A>G on the plus strand (T>C on the coding strand, the complement: BARD1 is on the minus strand). VCF-style: chr2-214730481-A-G. GRCh37 (hg19) VCF-style: chr2-215595205-A-G.
Other names: c.1874T>C, p.Val625Ala (NM_001282543.2); c.578T>C, p.Val193Ala (NM_001282545.2); c.521T>C, p.Val174Ala (NM_001282548.2); c.392T>C, p.Val131Ala (NM_001282549.2); c.1931T>C (NM_000465.2); short protein forms V131A, V644A, V174A, V193A, V625A.
Identifiers: ClinVar variation 924223 (VCV000924223.12), dbSNP rs1574707186, ClinGen allele CA350451246.